The following is an entry in ClinVar:

ClinVar aggregate classification (germline): Uncertain significance (1 of 4 stars; one submission).

Conditions:
Hereditary cancer-predisposing syndrome. Also called: Tumor predisposition; Hereditary Cancer Syndrome; Hereditary neoplastic syndrome; Neoplastic Syndromes, Hereditary. Identifiers: Orphanet 140162, MedGen C0027672, MeSH D009386, MONDO:0015356.

Submission:

Ambry Genetics
Classification: Uncertain significance for Hereditary cancer-predisposing syndrome. Last evaluated: 2025-12-07. Review status: criteria provided, single submitter. Criteria: Ambry Variant Classification Scheme 2023. Collection method: clinical testing. Allele origin: germline.
Comment: The p.D259V variant (also known as c.776A>T), located in coding exon 6 of the SMARCB1 gene, results from an A to T substitution at nucleotide position 776. The aspartic acid at codon 259 is replaced by valine, an amino acid with highly dissimilar properties. This amino acid position is conserved. In addition, this alteration is predicted to be deleterious by in silico analysis. Based on the available evidence, the clinical significance of this variant remains unclear.

NM_003073.5(SMARCB1):c.776A>T (p.Asp259Val)

Gene: SMARCB1 (SWI/SNF related BAF chromatin remodeling complex subunit B1; plus strand). Cytogenetic location: 22q11.23.
Variant type: single nucleotide variant.
Coding change: c.776A>T on transcript NM_003073.5 (MANE Select); coding-DNA position 776, A replaced by T.
Protein change: p.Asp259Val; replaces aspartic acid 259 with valine.
Molecular consequence: missense variant.
Genome position (GRCh38, 1-based): chr22:23,816,917, A>T. VCF-style: chr22-23816917-A-T. GRCh37 (hg19) VCF-style: chr22-24159104-A-T.
Other names: c.749A>T, p.Asp250Val (NM_001007468.3); c.803A>T, p.Asp268Val (NM_001317946.2); c.830A>T, p.Asp277Val (NM_001362877.2); short protein forms D268V, D250V, D259V, D277V.
Identifiers: ClinVar variation 4550294 (VCV004550294.1).